The following is an entry in ClinVar:

NM_005647.4(TBL1X):c.1424A>G (p.Asn475Ser)

Gene: TBL1X (transducin beta like 1 X-linked; plus strand). Cytogenetic location: Xp22.2.
Variant type: single nucleotide variant.
Coding change: c.1424A>G on transcript NM_005647.4 (MANE Select); coding-DNA position 1424, A replaced by G.
Protein change: p.Asn475Ser; replaces asparagine 475 with serine.
Molecular consequence: missense variant.
Genome position (GRCh38, 1-based): chrX:9,709,745, A>G. VCF-style: chrX-9709745-A-G. GRCh37 (hg19) VCF-style: chrX-9677785-A-G.
Other names: c.1424A>G, p.Asn475Ser (NM_001139466.1); c.1271A>G, p.Asn424Ser (NM_001139467.1, NM_001139468.1); short protein forms N424S, N475S.
Identifiers: ClinVar variation 3772387 (VCV003772387.13).

ClinVar aggregate classification (germline): Uncertain significance (1 of 4 stars; one submission).

Submission:

CeGaT Center for Human Genetics Tuebingen
Classification: Uncertain significance. Last evaluated: 2025-02-01. Review status: criteria provided, single submitter. Criteria: CeGaT Center For Human Genetics Tuebingen Variant Classification Criteria Version 2. Collection method: clinical testing. Allele origin: germline. Affected: yes. Observed: 1 variant allele.
Comment: TBL1X: PM2, BP4